The following is an entry in ClinVar:

ClinVar aggregate classification (germline): Benign. Review status: criteria provided, multiple submitters, no conflicts (2 of 4 stars). 10 submissions from 10 submitters: Benign (8). 2 of the submissions do not count toward it. Last evaluated 2026-02-04.

Conditions:
Focal segmental glomerulosclerosis 5 (FSGS5). Identifiers: Orphanet 656, MedGen C2750475, MONDO:0013191, OMIM 613237.
Charcot-Marie-Tooth disease dominant intermediate E. Also called: CHARCOT-MARIE-TOOTH NEUROPATHY WITH FOCAL SEGMENTAL GLOMERULONEPHRITIS. Identifiers: Orphanet 93114, MedGen C4302667, MONDO:0013758, OMIM 614455.

Allele frequency attached by ClinVar (database versions not stated): 1000 Genomes Project 30x 0.04560; 1000 Genomes Project 0.04573; TOPMed 0.05729; ESP Exome Variant Server 0.05836; gnomAD 0.05864 and 0.05945; gnomAD exomes 0.06583 and 0.07660; ExAC 0.07527.
gnomAD v4.1: 120,986 of 1,611,110 alleles (7.5%); highest among the groups gnomAD compares: Middle Eastern, 11%; 5,136 homozygotes.

Submissions (10):

Labcorp Genetics (formerly Invitae), Labcorp
Classification: Benign for Charcot-Marie-Tooth disease dominant intermediate E; Focal segmental glomerulosclerosis 5. Last evaluated: 2026-02-04. Review status: criteria provided, single submitter. Criteria: Invitae Variant Classification Sherloc (09022015). Collection method: clinical testing. Allele origin: germline.

Blueprint Genetics
Classification: Benign. Last evaluated: 2024-11-27. Review status: criteria provided, single submitter. Criteria: ACMG Guidelines, 2015. Collection method: clinical testing. Allele origin: germline.

Mayo Clinic Laboratories, Mayo Clinic
Classification: Benign. Last evaluated: 2022-10-27. Review status: criteria provided, single submitter. Criteria: ACMG Guidelines, 2015. Collection method: clinical testing. Allele origin: germline. Observed: 370 variant alleles.

Illumina Laboratory Services, Illumina
Classification: Benign for Focal segmental glomerulosclerosis 5. Last evaluated: 2018-01-13. Review status: criteria provided, single submitter. Criteria: ICSL Variant Classification Criteria 13 December 2019. Collection method: clinical testing. Allele origin: germline.
Comment: This variant was observed in the ICSL laboratory as part of a predisposition screen in an ostensibly healthy population. It had not been previously curated by ICSL or reported in the Human Gene Mutation Database (HGMD: prior to June 1st, 2018), and was therefore a candidate for classification through an automated scoring system. Utilizing variant allele frequency, disease prevalence and penetrance estimates, and inheritance mode, an automated score was calculated to assess if this variant is too frequent to cause the disease. Based on the score and internal cut-off values, a variant classified as benign is not then subjected to further curation. The score for this variant resulted in a classification of benign for this disease.

Athena Diagnostics
Classification: Benign for Focal segmental glomerulosclerosis 5. Last evaluated: 2017-04-15. Review status: criteria provided, single submitter. Criteria: Athena Diagnostics Criteria. Collection method: clinical testing. Allele origin: germline.

GeneDx
Classification: Benign. Last evaluated: 2015-12-29. Review status: criteria provided, single submitter. Criteria: GeneDx Variant Classification (06012015). Collection method: clinical testing. Allele origin: germline. Affected: yes.
Comment: This variant is considered likely benign or benign based on one or more of the following criteria: it is a conservative change, it occurs at a poorly conserved position in the protein, it is predicted to be benign by multiple in silico algorithms, and/or has population frequency not consistent with disease.

Breakthrough Genomics
Classification: Benign. Review status: criteria provided, single submitter. Criteria: ACMG Guidelines, 2015. Collection method: not provided. Allele origin: germline. Inheritance: Autosomal dominant inheritance. Affected: yes.

PreventionGenetics, part of Exact Sciences
Classification: Benign. Review status: criteria provided, single submitter. Criteria: ACMG Guidelines, 2015. Collection method: clinical testing. Allele origin: germline.

Clinical Genetics, Academic Medical Center
Classification: Benign. Review status: no assertion criteria provided. Collection method: clinical testing. Allele origin: germline. Affected: yes. Study: VKGL Data-share Consensus. Not counted in ClinVar's aggregate classification.

Joint Genome Diagnostic Labs from Nijmegen and Maastricht, Radboudumc and MUMC+
Classification: Benign. Review status: no assertion criteria provided. Collection method: clinical testing. Allele origin: germline. Affected: yes. Study: VKGL Data-share Consensus. Not counted in ClinVar's aggregate classification.

NM_022489.4(INF2):c.3286C>T (p.Pro1096Ser)

Gene: INF2 (inverted formin 2; plus strand). Cytogenetic location: 14q32.33.
Variant type: single nucleotide variant.
Coding change: c.3286C>T on transcript NM_022489.4 (MANE Select); coding-DNA position 3286, C replaced by T.
Protein change: p.Pro1096Ser; replaces proline 1096 with serine.
Molecular consequence: missense variant.
Genome position (GRCh38, 1-based): chr14:104,714,448, C>T. VCF-style: chr14-104714448-C-T. GRCh37 (hg19) VCF-style: chr14-105180785-C-T.
Other names: c.3286C>T, p.Pro1096Ser (NM_001031714.4); short protein forms P1096S.
Identifiers: ClinVar variation 261619 (VCV000261619.21), dbSNP rs34251364, ClinGen allele CA7373222.